The following is an entry in ClinVar:

NM_003924.4(PHOX2B):c.919G>C (p.Ala307Pro)

Gene: PHOX2B (paired like homeobox 2B; minus strand). Cytogenetic location: 4p13.
Variant type: single nucleotide variant.
Coding change: c.919G>C on transcript NM_003924.4 (MANE Select); coding-DNA position 919, G replaced by C.
Protein change: p.Ala307Pro; replaces alanine 307 with proline.
Molecular consequence: missense variant.
Genome position (GRCh38, 1-based): chr4:41,745,833, C>G on the plus strand (G>C on the coding strand, the complement: PHOX2B is on the minus strand). VCF-style: chr4-41745833-C-G. GRCh37 (hg19) VCF-style: chr4-41747850-C-G.
Other names: short protein forms A307P.
Identifiers: ClinVar variation 4665964 (VCV004665964.1).

ClinVar aggregate classification (germline): Uncertain significance (1 of 4 stars; one submission).

Conditions:
Hereditary cancer-predisposing syndrome. Also called: Neoplastic Syndromes, Hereditary; Tumor predisposition; Hereditary Cancer Syndrome; Hereditary neoplastic syndrome. Identifiers: Orphanet 140162, MedGen C0027672, MeSH D009386, MONDO:0015356.

Submission:

Ambry Genetics
Classification: Uncertain significance for Hereditary cancer-predisposing syndrome. Last evaluated: 2025-10-15. Review status: criteria provided, single submitter. Criteria: Ambry Variant Classification Scheme 2023. Collection method: clinical testing. Allele origin: germline.
Comment: The p.A307P variant (also known as c.919G>C), located in coding exon 3 of the PHOX2B gene, results from a G to C substitution at nucleotide position 919. The alanine at codon 307 is replaced by proline, an amino acid with highly similar properties. This amino acid position is conserved. In addition, this alteration is predicted to be tolerated by in silico analysis. Based on the available evidence, the clinical significance of this variant remains unclear.